The following is an entry in ClinVar:

NM_003458.4(BSN):c.3050A>T (p.Glu1017Val)

Gene: BSN (bassoon presynaptic cytomatrix protein; plus strand). Cytogenetic location: 3p21.31.
Variant type: single nucleotide variant.
Coding change: c.3050A>T on transcript NM_003458.4 (MANE Select); coding-DNA position 3050, A replaced by T.
Protein change: p.Glu1017Val; replaces glutamic acid 1017 with valine.
Molecular consequence: missense variant.
Genome position (GRCh38, 1-based): chr3:49,652,606, A>T. VCF-style: chr3-49652606-A-T. GRCh37 (hg19) VCF-style: chr3-49690039-A-T.
Other names: short protein forms E1017V.
Identifiers: ClinVar variation 5017480 (VCV005017480.1).

ClinVar aggregate classification (germline): Uncertain significance (1 of 4 stars; one submission).

Submission:

GeneDx
Classification: Uncertain significance. Last evaluated: 2026-03-27. Review status: criteria provided, single submitter. Criteria: GeneDx Variant Classification Process June 2021. Collection method: clinical testing. Allele origin: germline.
Comment: Not observed at significant frequency in large population cohorts (gnomAD); In silico analysis supports that this missense variant has a deleterious effect on protein structure/function; Has not been previously published as pathogenic or benign to our knowledge